The following is an entry in ClinVar:

ClinVar aggregate classification (germline): Uncertain significance. Review status: criteria provided, multiple submitters, no conflicts (2 of 4 stars). 2 submissions from 2 submitters: Uncertain significance (2). Last evaluated 2023-12-04.

Allele frequency attached by ClinVar (database versions not stated): gnomAD 0.00002; TOPMed 0.00002; ExAC 0.00003; 1000 Genomes Project 0.00040; gnomAD exomes below 0.00001; 1000 Genomes Project 30x 0.00062.
gnomAD v4.1: 4 of 1,613,966 alleles (0.00025%); highest among the groups gnomAD compares: Admixed American, 0.0033%; no homozygotes.

Submissions (2):

Labcorp Genetics (formerly Invitae), Labcorp
Classification: Uncertain significance. Last evaluated: 2023-12-04. Review status: criteria provided, single submitter. Criteria: Invitae Variant Classification Sherloc (09022015). Collection method: clinical testing. Allele origin: germline.
Comment: This sequence change replaces arginine, which is basic and polar, with glycine, which is neutral and non-polar, at codon 318 of the RIMS1 protein (p.Arg318Gly). This variant is present in population databases (rs191058922, gnomAD 0.006%). This variant has not been reported in the literature in individuals affected with RIMS1-related conditions. ClinVar contains an entry for this variant (Variation ID: 1922006). An algorithm developed to predict the effect of missense changes on protein structure and function (PolyPhen-2) suggests that this variant is likely to be disruptive. In summary, the available evidence is currently insufficient to determine the role of this variant in disease. Therefore, it has been classified as a Variant of Uncertain Significance.

Blueprint Genetics
Classification: Uncertain significance. Last evaluated: 2020-03-06. Review status: criteria provided, single submitter. Criteria: ACMG Guidelines, 2015. Collection method: clinical testing. Allele origin: germline.

NM_014989.7(RIMS1):c.952A>G (p.Arg318Gly)

Gene: RIMS1 (regulating synaptic membrane exocytosis 1; plus strand). Cytogenetic location: 6q13.
Variant type: single nucleotide variant.
Coding change: c.952A>G on transcript NM_014989.7 (MANE Select); coding-DNA position 952, A replaced by G.
Protein change: p.Arg318Gly; replaces arginine 318 with glycine.
Molecular consequence: missense variant.
Genome position (GRCh38, 1-based): chr6:72,182,423, A>G. VCF-style: chr6-72182423-A-G. GRCh37 (hg19) VCF-style: chr6-72892126-A-G.
Other names: short protein forms R318G.
Identifiers: ClinVar variation 1922006 (VCV001922006.6), dbSNP rs191058922, ClinGen allele CA3885629.